The following is an entry in ClinVar:

ClinVar aggregate classification (germline): Uncertain significance. Review status: criteria provided, multiple submitters, no conflicts (2 of 4 stars). 2 submissions from 2 submitters: Uncertain significance (2). Last evaluated 2025-09-08.

Conditions:
Familial cold autoinflammatory syndrome 3 (FCAS3). Also called: ANTIBODY DEFICIENCY AND IMMUNE DYSREGULATION, PLCG2-ASSOCIATED; FAMILIAL ATYPICAL COLD URTICARIA. Identifiers: Orphanet 300359, MedGen C3280914, MONDO:0013766, OMIM 614468.
Autoinflammation-PLCG2-associated antibody deficiency-immune dysregulation. Also called: Autoinflammation, antibody deficiency, and immune dysregulation syndrome; Autoinflammation, antibody deficiency, and immune dysregulation, plcg2-associated; AUTOINFLAMMATION, ANTIBODY DEFICIENCY, AND IMMUNE DYSREGULATION. Identifiers: Orphanet 324530, MedGen C3553961, MONDO:0013944, OMIM 614878.

Allele frequency attached by ClinVar (database versions not stated): gnomAD 0.00002; TOPMed 0.00005.
gnomAD v4.1: 22 of 1,613,736 alleles (0.0014%); highest among the groups gnomAD compares: Admixed American, 0.022%; no homozygotes.

Submissions (2):

Labcorp Genetics (formerly Invitae), Labcorp
Classification: Uncertain significance for Familial cold autoinflammatory syndrome 3. Last evaluated: 2025-09-08. Review status: criteria provided, single submitter. Criteria: Invitae Variant Classification Sherloc (09022015). Collection method: clinical testing. Allele origin: germline.
Comment: This sequence change replaces valine, which is neutral and non-polar, with isoleucine, which is neutral and non-polar, at codon 1182 of the PLCG2 protein (p.Val1182Ile). This variant is present in population databases (rs759887275, gnomAD 0.03%). This variant has not been reported in the literature in individuals affected with PLCG2-related conditions. ClinVar contains an entry for this variant (Variation ID: 643897). An algorithm developed to predict the effect of missense changes on protein structure and function (PolyPhen-2) suggests that this variant is likely to be tolerated. In summary, the available evidence is currently insufficient to determine the role of this variant in disease. Therefore, it has been classified as a Variant of Uncertain Significance.

Fulgent Genetics
Classification: Uncertain significance for Familial cold autoinflammatory syndrome 3; Autoinflammation-PLCG2-associated antibody deficiency-immune dysregulation. Last evaluated: 2022-04-25. Review status: criteria provided, single submitter. Criteria: ACMG Guidelines, 2015. Collection method: clinical testing. Allele origin: unknown.

NM_002661.5(PLCG2):c.3544G>A (p.Val1182Ile)

Gene: PLCG2 (phospholipase C gamma 2; plus strand). Cytogenetic location: 16q23.3.
Variant type: single nucleotide variant.
Coding change: c.3544G>A on transcript NM_002661.5 (MANE Select); coding-DNA position 3544, G replaced by A.
Protein change: p.Val1182Ile; replaces valine 1182 with isoleucine.
Molecular consequence: missense variant.
Genome position (GRCh38, 1-based): chr16:81,946,237, G>A. VCF-style: chr16-81946237-G-A. GRCh37 (hg19) VCF-style: chr16-81979842-G-A.
Other names: short protein forms V1182I.
Identifiers: ClinVar variation 643897 (VCV000643897.10), dbSNP rs759887275, ClinGen allele CA8194759.